The following is an entry in ClinVar:

NM_030948.6(PHACTR1):c.1155C>T (p.Tyr385=)

Gene: PHACTR1 (phosphatase and actin regulator 1; plus strand). Cytogenetic location: 6p24.1.
Variant type: single nucleotide variant.
Coding change: c.1155C>T on transcript NM_030948.6 (MANE Select); coding-DNA position 1155, C replaced by T.
Protein change: p.Tyr385=; no amino-acid change (tyrosine 385 retained).
Molecular consequence: synonymous variant.
Genome position (GRCh38, 1-based): chr6:13,227,984, C>T. VCF-style: chr6-13227984-C-T. GRCh37 (hg19) VCF-style: chr6-13228216-C-T.
Other names: c.1155C>T, p.Tyr385= (NM_001242648.4, NM_001322308.3, NM_001322309.3 and 1 more transcripts); c.1362C>T, p.Tyr454= (NM_001322310.2, NM_001374582.1); c.879C>T, p.Tyr293= (NM_001322311.2, NM_001322312.3, NM_001374583.2); c.1086C>T, p.Tyr362= (NM_001322313.2); c.1365C>T, p.Tyr455= (NM_001322314.4); c.1365C>T (NM_001322314.1).
Identifiers: ClinVar variation 2656238 (VCV002656238.26), dbSNP rs139729794, ClinGen allele CA3639253.

ClinVar aggregate classification (germline): Likely benign. Review status: criteria provided, multiple submitters, no conflicts (2 of 4 stars). 3 submissions from 3 submitters: Likely benign (3). Last evaluated 2025-11-26.

Conditions:
PHACTR1-related disorder. Also called: PHACTR1-related condition.

Allele frequency attached by ClinVar (database versions not stated): ESP Exome Variant Server 0.00008; gnomAD exomes 0.00009; ExAC 0.00015; 1000 Genomes Project 30x 0.00016; gnomAD 0.00017; TOPMed 0.00017; 1000 Genomes Project 0.00020.
gnomAD v4.1: 170 of 1,613,878 alleles (0.011%); highest among the groups gnomAD compares: Middle Eastern, 0.12%; 1 homozygote.

Submissions (3):

PreventionGenetics, part of Exact Sciences
Classification: Likely benign for PHACTR1-related condition. Last evaluated: 2025-11-26. Review status: criteria provided, single submitter. Criteria: ACMG Guidelines, 2015. Collection method: clinical testing. Allele origin: germline.
Comment: This variant is classified as likely benign based on ACMG/AMP sequence variant interpretation guidelines (Richards et al. 2015 PMID: 25741868, with internal and published modifications).

Blueprint Genetics
Classification: Likely benign. Last evaluated: 2024-11-04. Review status: criteria provided, single submitter. Criteria: ACMG Guidelines, 2015. Collection method: clinical testing. Allele origin: germline.

CeGaT Center for Human Genetics Tuebingen
Classification: Likely benign. Last evaluated: 2024-07-01. Review status: criteria provided, single submitter. Criteria: CeGaT Center For Human Genetics Tuebingen Variant Classification Criteria Version 2. Collection method: clinical testing. Allele origin: germline. Affected: yes. Observed: 2 variant alleles.
Comment: PHACTR1: BP4, BP7